The following is an entry in ClinVar:

ClinVar aggregate classification (germline): Uncertain significance (1 of 4 stars; one submission).

gnomAD v4.1: 9 of 1,613,474 alleles (0.00056%); highest among the groups gnomAD compares: African/African-American, 0.0027%; no homozygotes.

Submission:

Ambry Genetics
Classification: Uncertain significance. Last evaluated: 2024-12-20. Review status: criteria provided, single submitter. Criteria: Ambry Variant Classification Scheme 2023. Collection method: clinical testing. Allele origin: germline.
Comment: The p.S756G variant (also known as c.2266A>G), located in coding exon 12 of the ATRIP gene, results from an A to G substitution at nucleotide position 2266. The serine at codon 756 is replaced by glycine, an amino acid with similar properties. This amino acid position is conserved. In addition, this alteration is predicted to be tolerated by in silico analysis. Based on the available evidence, the clinical significance of this variant remains unclear.

NM_130384.3(ATRIP):c.2266A>G (p.Ser756Gly)

Genes: ATRIP (ATR interacting protein; plus strand), ATRIP-TREX1 (ATRIP-TREX1 readthrough; plus strand). Cytogenetic location: 3p21.31.
Variant type: single nucleotide variant.
Coding change: c.2266A>G on transcript NM_130384.3 (MANE Select); coding-DNA position 2266, A replaced by G.
Protein change: p.Ser756Gly; replaces serine 756 with glycine.
Molecular consequence: missense variant. On other transcripts: non-coding transcript variant (1).
Genome position (GRCh38, 1-based): chr3:48,465,041, A>G. VCF-style: chr3-48465041-A-G. GRCh37 (hg19) VCF-style: chr3-48506440-A-G.
Other names: c.1885A>G, p.Ser629Gly (NM_001271022.2); c.1987A>G, p.Ser663Gly (NM_001271023.2); c.2185A>G, p.Ser729Gly (NM_032166.4); short protein forms S629G, S663G, S729G, S756G.
Identifiers: ClinVar variation 3809187 (VCV003809187.1).